The following is an entry in ClinVar:

ClinVar aggregate classification (germline): Uncertain significance (1 of 4 stars; one submission).

Conditions:
Autosomal recessive limb-girdle muscular dystrophy type 2J (LGMDR10). Also called: Limb-girdle muscular dystrophy, type 2J; MUSCULAR DYSTROPHY, LIMB-GIRDLE, AUTOSOMAL RECESSIVE 10. Identifiers: Orphanet 140922, MedGen C1837342, MONDO:0012127, OMIM 608807.
Dilated cardiomyopathy 1G (CMD1G). Identifiers: Orphanet 154, MedGen C1858763, MONDO:0011400, OMIM 604145.

Submission:

Labcorp Genetics (formerly Invitae), Labcorp
Classification: Uncertain significance for Dilated cardiomyopathy 1G; Autosomal recessive limb-girdle muscular dystrophy type 2J. Last evaluated: 2025-09-22. Review status: criteria provided, single submitter. Criteria: Invitae Variant Classification Sherloc (09022015). Collection method: clinical testing. Allele origin: germline.
Comment: This sequence change falls in intron 38 of the TTN gene. It does not directly change the encoded amino acid sequence of the TTN protein. It affects a nucleotide within the consensus splice site. This variant is not present in population databases (gnomAD no frequency). This variant has not been reported in the literature in individuals affected with TTN-related conditions. Variants that disrupt the consensus splice site are a relatively common cause of aberrant splicing (PMID: 17576681, 9536098). Algorithms developed to predict the effect of sequence changes on RNA splicing suggest that this variant is not likely to affect RNA splicing. This variant is located in the I band of TTN (PMID: 25589632). Non-truncating variants in this region may be clinically relevant, but have not been definitively shown to cause cardiomyopathy or neuromuscular disease (PMID: 27493940, 32778822). In summary, the available evidence is currently insufficient to determine the role of this variant in disease. Therefore, it has been classified as a Variant of Uncertain Significance.

Literature cited by the submitters: PubMed 17576681; PubMed 9536098; PubMed 25589632; PubMed 27493940; PubMed 32778822.

NM_001267550.2(TTN):c.9163+3A>T

Gene: TTN (titin; minus strand). Cytogenetic location: 2q31.2.
Variant type: single nucleotide variant.
Coding change: c.9163+3A>T on transcript NM_001267550.2 (MANE Select); 3 bases into the intron after coding-DNA position 9163, A replaced by T.
Molecular consequence: intron variant.
Genome position (GRCh38, 1-based): chr2:178,768,670, T>A on the plus strand (A>T on the coding strand, the complement: TTN is on the minus strand). VCF-style: chr2-178768670-T-A. GRCh37 (hg19) VCF-style: chr2-179633397-T-A.
Other names: c.9025+3A>T (NM_003319.4, NM_133437.4, NM_133432.3); c.9163+3A>T (NM_133378.4, NM_001256850.1, NM_133379.5).
Identifiers: ClinVar variation 4786200 (VCV004786200.1).